The following is an entry in ClinVar:

NM_000548.5(TSC2):c.3022G>A (p.Val1008Met)

Gene: TSC2 (TSC complex subunit 2; plus strand). Cytogenetic location: 16p13.3.
Variant type: single nucleotide variant.
Coding change: c.3022G>A on transcript NM_000548.5 (MANE Select); coding-DNA position 3022, G replaced by A.
Protein change: p.Val1008Met; replaces valine 1008 with methionine.
Molecular consequence: missense variant.
Genome position (GRCh38, 1-based): chr16:2,079,087, G>A. VCF-style: chr16-2079087-G-A. GRCh37 (hg19) VCF-style: chr16-2129088-G-A.
Other names: c.2890G>A, p.Val964Met (NM_001077183.3, NM_001370404.1); c.3022G>A, p.Val1008Met (NM_001114382.3); c.2782G>A, p.Val928Met (NM_001318827.2); c.2746G>A, p.Val916Met (NM_001318829.2); c.2290G>A, p.Val764Met (NM_001318831.2); c.2923G>A, p.Val975Met (NM_001318832.2); c.2893G>A, p.Val965Met (NM_001363528.2, NM_001370405.1, NM_021055.3); c.3022G>A (NM_000548.4); short protein forms V1008M, V916M, V964M, V975M, V764M, V928M, V965M.
Identifiers: ClinVar variation 64980 (VCV000064980.17), dbSNP rs397514985, ClinGen allele CA018420.

ClinVar aggregate classification (germline): Benign/Likely benign. Review status: criteria provided, multiple submitters, no conflicts (2 of 4 stars). 5 submissions from 5 submitters: Benign (1); Likely benign (3). 1 of the submissions does not count toward it. Last evaluated 2026-01-13.

Conditions:
TSC2-related disorder. Also called: TSC2-Related Disorders; TSC2-related condition.
Hereditary cancer-predisposing syndrome. Also called: Hereditary Cancer Syndrome; Neoplastic Syndromes, Hereditary; Hereditary neoplastic syndrome; Tumor predisposition. Identifiers: Orphanet 140162, MedGen C0027672, MeSH D009386, MONDO:0015356.
Tuberous sclerosis syndrome (TSC). Also called: Tuberous Sclerosis Complex; Tuberous sclerosis. Identifiers: Orphanet 805, MedGen C0041341, MONDO:0001734.
Tuberous sclerosis 2 (TSC2). Identifiers: Orphanet 805, MedGen C1860707, MONDO:0013199, OMIM 613254.

Allele frequency attached by ClinVar (database versions not stated): gnomAD 0.00001; TOPMed 0.00001; gnomAD exomes 0.00002; ExAC 0.00003.

Submissions (5):

Labcorp Genetics (formerly Invitae), Labcorp
Classification: Benign for Tuberous sclerosis 2. Last evaluated: 2026-01-13. Review status: criteria provided, single submitter. Criteria: Invitae Variant Classification Sherloc (09022015). Collection method: clinical testing. Allele origin: germline.

PreventionGenetics, part of Exact Sciences
Classification: Likely benign for TSC2-related condition. Last evaluated: 2025-11-06. Review status: criteria provided, single submitter. Criteria: ACMG Guidelines, 2015. Collection method: clinical testing. Allele origin: germline.
Comment: This variant is classified as likely benign based on ACMG/AMP sequence variant interpretation guidelines (Richards et al. 2015 PMID: 25741868, with internal and published modifications).

Myriad Genetics, Inc.
Classification: Likely benign for Tuberous sclerosis 2. Last evaluated: 2024-08-14. Review status: criteria provided, single submitter. Criteria: Myriad Autosomal Dominant, Autosomal Recessive and X-Linked Classification Criteria (2023). Collection method: clinical testing. Allele origin: unknown.
Comment: This variant is considered likely benign. This variant has been observed at a population frequency that is significantly greater than expected given the associated disease prevalence and penetrance.

Ambry Genetics
Classification: Likely benign for Hereditary cancer-predisposing syndrome. Last evaluated: 2019-11-11. Review status: criteria provided, single submitter. Criteria: Ambry Variant Classification Scheme 2023. Collection method: clinical testing. Allele origin: germline.

Tuberous sclerosis database (TSC2)
No classification provided. Condition: TSC. Review status: no classification provided. Criteria: Tuberous Sclerosis Database Assertion Criteria 2015. Collection method: curation. Allele origin: germline. Affected: yes. Not counted in ClinVar's aggregate classification.